The following is an entry in ClinVar:

ClinVar aggregate classification (germline): Uncertain significance (1 of 4 stars; one submission).

Conditions:
Carney complex, type 1 (CNC1). Also called: CARNEY COMPLEX, TYPE I; CARNEY MYXOMA-ENDOCRINE COMPLEX. Identifiers: Orphanet 1359, MedGen C2607929, MONDO:0008057, OMIM 160980.

Submission:

Labcorp Genetics (formerly Invitae), Labcorp
Classification: Uncertain significance for Carney complex, type 1. Last evaluated: 2019-10-20. Review status: criteria provided, single submitter. Criteria: Invitae Variant Classification Sherloc (09022015). Collection method: clinical testing. Allele origin: germline.
Comment: This variant, c.172_177dup, results in the insertion of 2 amino acid(s) to the PRKAR1A protein (p.Glu58_Lys59dup), but otherwise preserves the integrity of the reading frame. This variant is present in population databases (rs779728854, ExAC 0.01%). This variant has not been reported in the literature in individuals with PRKAR1A-related conditions. Algorithms developed to predict the effect of sequence changes on RNA splicing suggest that this variant may disrupt the consensus splice site, but this prediction has not been confirmed by published transcriptional studies. In summary, the available evidence is currently insufficient to determine the role of this variant in disease. Therefore, it has been classified as a Variant of Uncertain Significance.

NM_002734.5(PRKAR1A):c.173_177+1dup

Gene: PRKAR1A (protein kinase cAMP-dependent type I regulatory subunit alpha; plus strand). Cytogenetic location: 17q24.2.
Variant type: Duplication.
Coding change: c.173_177+1dup on transcript NM_002734.5 (MANE Select); coding-DNA position 173 through the canonical splice donor site of the intron after coding-DNA position 177, 6 bases duplicated (AGAAGG; older notation c.173_177+1dupAGAAGG).
Molecular consequence: splice donor variant.
Genome position (GRCh38, 1-based): chr17:68,515,572-68,515,577, AGAAGG duplicated; duplicating any 6 consecutive bases within chr17:68,515,570-68,515,577 gives the same sequence; the c. name uses the placement nearest the transcript's 3' end. VCF-style (leftmost placement, unchanged base first): chr17-68515569-T-TGGAGAA. GRCh37 (hg19) VCF-style: chr17-66511710-T-TGGAGAA.
Other names: c.173_177+1dup (NM_001278433.2, NM_001369389.1, NM_212471.3 and 4 more transcripts).
Identifiers: ClinVar variation 965525 (VCV000965525.8), dbSNP rs779728854, ClinGen allele CA8729168.